The following is an entry in ClinVar:

ClinVar aggregate classification (germline): Uncertain significance (1 of 4 stars; one submission).

Conditions:
Hereditary breast ovarian cancer syndrome. Also called: Hereditary breast and ovarian cancer; Breast and ovarian cancer; BRCA1- and BRCA2-Associated Hereditary Breast and Ovarian Cancer; Hereditary breast and/or ovarian cancer syndrome; Hereditary breast and ovarian cancer syndrome; Hereditary breast and ovarian cancer syndrome (HBOC). Identifiers: Orphanet 145, MedGen C0677776, MeSH D061325, MONDO:0003582. Disease mechanism: loss of function.

Submission:

Labcorp Genetics (formerly Invitae), Labcorp
Classification: Uncertain significance for Hereditary breast ovarian cancer syndrome. Last evaluated: 2021-02-21. Review status: criteria provided, single submitter. Criteria: Invitae Variant Classification Sherloc (09022015). Collection method: clinical testing. Allele origin: germline.
Comment: In summary, the available evidence is currently insufficient to determine the role of this variant in disease. Therefore, it has been classified as a Variant of Uncertain Significance. This variant is not present in population databases (ExAC no frequency). Advanced modeling of protein sequence and biophysical properties (such as structural, functional, and spatial information, amino acid conservation, physicochemical variation, residue mobility, and thermodynamic stability) performed at Invitae indicates that this missense variant is expected to disrupt BRCA2 protein function. This variant has not been reported in the literature in individuals with BRCA2-related conditions. This sequence change replaces asparagine with isoleucine at codon 2622 of the BRCA2 protein (p.Asn2622Ile). The asparagine residue is highly conserved and there is a large physicochemical difference between asparagine and isoleucine.

NM_000059.4(BRCA2):c.7865A>T (p.Asn2622Ile)

Gene: BRCA2 (BRCA2 DNA repair associated; plus strand). Cytogenetic location: 13q13.1.
Variant type: single nucleotide variant.
Coding change: c.7865A>T on transcript NM_000059.4 (MANE Select); coding-DNA position 7865, A replaced by T.
Protein change: p.Asn2622Ile; replaces asparagine 2622 with isoleucine.
Molecular consequence: missense variant.
Genome position (GRCh38, 1-based): chr13:32,362,582, A>T. VCF-style: chr13-32362582-A-T. GRCh37 (hg19) VCF-style: chr13-32936719-A-T.
Other names: short protein forms N2622I.
Identifiers: ClinVar variation 1503127 (VCV001503127.8), dbSNP rs142899125, ClinGen allele CA387747078.